The following is an entry in ClinVar:

ClinVar aggregate classification (germline): Likely benign (0 of 4 stars; one submission).

Conditions:
PRKCA-related disorder. Also called: PRKCA-related condition.

Submission:

PreventionGenetics, part of Exact Sciences
Classification: Likely benign for PRKCA-related condition. Last evaluated: 2020-01-22. Review status: no assertion criteria provided. Collection method: clinical testing. Allele origin: germline.
Comment: This variant is classified as likely benign based on ACMG/AMP sequence variant interpretation guidelines (Richards et al. 2015 PMID: 25741868, with internal and published modifications).

NM_002737.3(PRKCA):c.-4dup

Gene: PRKCA (protein kinase C alpha; plus strand). Cytogenetic location: 17q24.2.
Variant type: Duplication.
Coding change: c.-4dup on transcript NM_002737.3 (MANE Select); 4 bases upstream of the start codon, one base duplicated (G; older notation c.-4dupG).
Molecular consequence: 5 prime UTR variant.
Genome position (GRCh38, 1-based): chr17:66,302,848, G duplicated; the last of 7 consecutive G bases (chr17:66,302,842-66,302,848); duplicating any one gives the same sequence. VCF-style (leftmost placement, unchanged base first): chr17-66302841-T-TG. GRCh37 (hg19) VCF-style: chr17-64298959-T-TG.
Identifiers: ClinVar variation 3056232 (VCV003056232.2), dbSNP rs759335653, ClinGen allele CA8720571.